The following is an entry in ClinVar:

ClinVar aggregate classification (germline): Uncertain significance (1 of 4 stars; one submission).

Conditions:
Dilated cardiomyopathy 1DD (CMD1DD). Identifiers: Orphanet 154, MedGen C2750995, MONDO:0013168, OMIM 613172.

Allele frequency attached by ClinVar (database versions not stated): TOPMed below 0.00001; gnomAD 0.00001.
gnomAD v4.1: 1 of 1,551,726 alleles (0.000064%); highest among the groups gnomAD compares: African/African-American, 0.0014%; no homozygotes.

Submission:

Labcorp Genetics (formerly Invitae), Labcorp
Classification: Uncertain significance for Dilated cardiomyopathy 1DD. Last evaluated: 2022-08-21. Review status: criteria provided, single submitter. Criteria: Invitae Variant Classification Sherloc (09022015). Collection method: clinical testing. Allele origin: germline.
Comment: Advanced modeling of protein sequence and biophysical properties (such as structural, functional, and spatial information, amino acid conservation, physicochemical variation, residue mobility, and thermodynamic stability) performed at Invitae indicates that this missense variant is not expected to disrupt RBM20 protein function. In summary, the available evidence is currently insufficient to determine the role of this variant in disease. Therefore, it has been classified as a Variant of Uncertain Significance. ClinVar contains an entry for this variant (Variation ID: 1061711). This variant has not been reported in the literature in individuals affected with RBM20-related conditions. This variant is not present in population databases (gnomAD no frequency). This sequence change replaces leucine, which is neutral and non-polar, with phenylalanine, which is neutral and non-polar, at codon 388 of the RBM20 protein (p.Leu388Phe).

NM_001134363.3(RBM20):c.1164G>C (p.Leu388Phe)

Gene: RBM20 (RNA binding motif protein 20; plus strand). Cytogenetic location: 10q25.2.
Variant type: single nucleotide variant.
Coding change: c.1164G>C on transcript NM_001134363.3 (MANE Select); coding-DNA position 1164, G replaced by C.
Protein change: p.Leu388Phe; replaces leucine 388 with phenylalanine.
Molecular consequence: missense variant.
Genome position (GRCh38, 1-based): chr10:110,781,773, G>C. VCF-style: chr10-110781773-G-C. GRCh37 (hg19) VCF-style: chr10-112541531-G-C.
Other names: short protein forms L388F.
Identifiers: ClinVar variation 1061711 (VCV001061711.9), dbSNP rs1844354317, ClinGen allele CA378385844.